The following is an entry in ClinVar:

ClinVar aggregate classification (germline): Uncertain significance (1 of 4 stars; one submission).

Conditions:
Hypertrophic cardiomyopathy. Also called: HYPERTROPHIC MYOCARDIOPATHY. Identifiers: Orphanet 217569, MedGen C0007194, MeSH D002312, MONDO:0005045, HP:0001639.

Submission:

Labcorp Genetics (formerly Invitae), Labcorp
Classification: Uncertain significance for Hypertrophic cardiomyopathy. Last evaluated: 2026-01-01. Review status: criteria provided, single submitter. Criteria: Invitae Variant Classification Sherloc (09022015). Collection method: clinical testing. Allele origin: germline.
Comment: This variant results in the deletion of part of exon 25 (c.3722_3727+6del) of the MYOM1 gene. It is expected to disrupt RNA splicing. Variants that disrupt the donor or acceptor splice site typically lead to a loss of protein function (PMID: 16199547), however the current clinical and genetic evidence is not sufficient to establish whether loss-of-function variants in MYOM1 cause disease. This variant is present in population databases (rs753077600, gnomAD 0.01%). This variant has not been reported in the literature in individuals affected with MYOM1-related conditions. In summary, the available evidence is currently insufficient to determine the role of this variant in disease. Therefore, it has been classified as a Variant of Uncertain Significance.

Literature cited by the submitters: PubMed 16199547.

NM_003803.4(MYOM1):c.3722_3727+6del

Gene: MYOM1 (myomesin 1; minus strand). Cytogenetic location: 18p11.31.
Variant type: Deletion.
Coding change: c.3722_3727+6del on transcript NM_003803.4 (MANE Select); coding-DNA position 3722 through 6 bases into the intron after coding-DNA position 3727, 12 bases deleted (TCCCAAGTAAGT).
Molecular consequence: splice donor variant.
Genome position (GRCh38, 1-based): chr18:3,100,153-3,100,164, ACTTACTTGGGA deleted on the plus strand (TCCCAAGTAAGT on the coding strand, the reverse complement: MYOM1 is on the minus strand); deleting any 12 consecutive bases within chr18:3,100,153-3,100,168 gives the same sequence; the c. name uses the placement nearest the transcript's 3' end. VCF-style (leftmost placement, unchanged base first): chr18-3100152-TACTTACTTGGGA-T. GRCh37 (hg19) VCF-style: chr18-3100150-TACTTACTTGGGA-T.
Other names: c.3434_3439+6del (NM_019856.2).
Identifiers: ClinVar variation 4702522 (VCV004702522.1).
Genomic context (GRCh38, chr18:3,100,152, plus strand): 5'-GATCTATTCCAGAAGTTGCTGCCTAGTAAGACTGCTAAAAACCTGTGAATGTATTGTGGA[TACTTACTTGGGA>T]ACTTGTGTTCATGGCTGAGAGCAAGTAAACGTTTCAATTCTGTAGGGGGAAAAAGAAGGC-3'